The following is an entry in ClinVar:

ClinVar aggregate classification (germline): Uncertain significance (1 of 4 stars; one submission).

Conditions:
Hereditary cancer-predisposing syndrome. Also called: Hereditary neoplastic syndrome; Neoplastic Syndromes, Hereditary; Tumor predisposition; Hereditary Cancer Syndrome. Identifiers: Orphanet 140162, MedGen C0027672, MeSH D009386, MONDO:0015356.

gnomAD v4.1: 1 of 1,612,734 alleles (0.000062%); highest among the groups gnomAD compares: East Asian, 0.0022%; no homozygotes.

Submission:

Ambry Genetics
Classification: Uncertain significance for Hereditary cancer-predisposing syndrome. Last evaluated: 2025-07-17. Review status: criteria provided, single submitter. Criteria: Ambry Variant Classification Scheme 2023. Collection method: clinical testing. Allele origin: germline.
Comment: The p.L235V variant (also known as c.703T>G), located in coding exon 6 of the APC gene, results from a T to G substitution at nucleotide position 703. The leucine at codon 235 is replaced by valine, an amino acid with highly similar properties. This amino acid position is well conserved in available vertebrate species. In addition, in silico predictors for this gene do not accurately predict pathogenicity. Missense alterations in APC are not a common cause of disease (Spier I et al. Genet Med. 2024 Feb;26(2):100992). Based on the available evidence, the clinical significance of this variant remains unclear.

NM_000038.6(APC):c.703T>G (p.Leu235Val)

Gene: APC (APC regulator of Wnt signaling pathway; plus strand). Cytogenetic location: 5q22.2.
Variant type: single nucleotide variant.
Coding change: c.703T>G on transcript NM_000038.6 (MANE Select); coding-DNA position 703, T replaced by G.
Protein change: p.Leu235Val; replaces leucine 235 with valine.
Molecular consequence: missense variant. On other transcripts: 5 prime UTR variant (4), non-coding transcript variant (2), intron variant (5).
Genome position (GRCh38, 1-based): chr5:112,792,503, T>G. VCF-style: chr5-112792503-T-G. GRCh37 (hg19) VCF-style: chr5-112128200-T-G.
Other names: c.703T>G, p.Leu235Val (NM_001127510.3, NM_001354895.2, NM_001354896.2 and 12 more transcripts); c.733T>G, p.Leu245Val (NM_001354897.2, NM_001354902.2, NM_001407446.1); c.628T>G, p.Leu210Val (NM_001354898.2, NM_001354904.2, NM_001407451.1); c.526T>G, p.Leu176Val (NM_001354900.2, NM_001354901.2, NM_001354905.2 and 1 more transcripts); c.-333T>G (NM_001354906.2, NM_001407470.1, NM_001407471.1 and 1 more transcripts); c.646-8776T>G (NM_001407452.1, NM_001407469.1, NM_001354899.2 and 1 more transcripts); c.676-8776T>G (NM_001127511.3); short protein forms L210V, L176V, L235V, L245V.
Identifiers: ClinVar variation 4120965 (VCV004120965.1).